The following is an entry in ClinVar:

NM_000548.5(TSC2):c.686A>G (p.Asn229Ser)

Gene: TSC2 (TSC complex subunit 2; plus strand). Cytogenetic location: 16p13.3.
Variant type: single nucleotide variant.
Coding change: c.686A>G on transcript NM_000548.5 (MANE Select); coding-DNA position 686, A replaced by G.
Protein change: p.Asn229Ser; replaces asparagine 229 with serine.
Molecular consequence: missense variant.
Genome position (GRCh38, 1-based): chr16:2,056,681, A>G. VCF-style: chr16-2056681-A-G. GRCh37 (hg19) VCF-style: chr16-2106682-A-G.
Other names: c.686A>G (NM_000548.4); c.686A>G, p.Asn229Ser (NM_001077183.3, NM_001114382.3, NM_001363528.2 and 3 more transcripts); c.575A>G, p.Asn192Ser (NM_001318827.2); c.539A>G, p.Asn180Ser (NM_001318829.2); c.86A>G, p.Asn29Ser (NM_001318831.2); c.719A>G, p.Asn240Ser (NM_001318832.2); short protein forms N229S, N180S, N192S, N240S, N29S.
Identifiers: ClinVar variation 468174 (VCV000468174.23), dbSNP rs1555498800, ClinGen allele CA394312549.
Genomic context (GRCh38, chr16:2,056,681, plus strand): 5'-TGAGCCGTCTCCCTCTCCACCAGGTCTCCCTGCAGGTGCTGGACGCCGTGGTCTGCTACA[A>G]CTGCCTGCCGGCTGAGAGCCTCCCGCTGTTCATCGTTACCCTCTGTCGCACCATCAACGT-3'
Protein context (NP_000539.2, residues 219-239): LQVLDAVVCY[Asn229Ser]CLPAESLPLF

ClinVar aggregate classification (germline): Conflicting classifications of pathogenicity. Review status: criteria provided, conflicting classifications (1 of 4 stars). 6 submissions from 6 submitters: Uncertain significance (3); Benign (1); Likely benign (2). Last evaluated 2026-03-04.

Conditions:
TSC2-related disorder. Also called: TSC2-Related Disorders; TSC2-related condition.
Hereditary cancer-predisposing syndrome. Also called: Tumor predisposition; Hereditary neoplastic syndrome; Neoplastic Syndromes, Hereditary; Hereditary Cancer Syndrome. Identifiers: Orphanet 140162, MedGen C0027672, MeSH D009386, MONDO:0015356.
Tuberous sclerosis syndrome (TSC). Also called: Tuberous Sclerosis Complex; Tuberous sclerosis. Identifiers: Orphanet 805, MedGen C0041341, MONDO:0001734.
Tuberous sclerosis 2 (TSC2). Identifiers: Orphanet 805, MedGen C1860707, MONDO:0013199, OMIM 613254.

Allele frequency attached by ClinVar (database versions not stated): gnomAD exomes below 0.00001; gnomAD 0.00001.
gnomAD v4.1: 7 of 1,612,246 alleles (0.00043%); highest among the groups gnomAD compares: African/African-American, 0.0027%; no homozygotes.

Submissions (6):

Ambry Genetics
Classification: Likely benign for Hereditary cancer-predisposing syndrome. Last evaluated: 2026-03-04. Review status: criteria provided, single submitter. Criteria: Ambry Variant Classification Scheme 2023. Collection method: clinical testing. Allele origin: germline.

Labcorp Genetics (formerly Invitae), Labcorp
Classification: Benign for Tuberous sclerosis 2. Last evaluated: 2025-11-15. Review status: criteria provided, single submitter. Criteria: Invitae Variant Classification Sherloc (09022015). Collection method: clinical testing. Allele origin: germline.

PreventionGenetics, part of Exact Sciences
Classification: Uncertain significance for TSC2-related condition. Last evaluated: 2025-09-16. Review status: criteria provided, single submitter. Criteria: ACMG Guidelines, 2015. Collection method: clinical testing. Allele origin: germline.
Comment: The TSC2 c.686A>G variant is predicted to result in the amino acid substitution p.Asn229Ser. To our knowledge, this variant has not been reported in the literature or in a large population database (gnomad), indicating this variant is rare. In ClinVar, this variant has conflicting interpretations regarding its pathogenicity ranging from benign to uncertain (Variation ID: 468174). Although we suspect that this variant may be benign, at this time, the clinical significance of this variant is uncertain due to the absence of conclusive functional and genetic evidence.

All of Us Research Program, National Institutes of Health
Classification: Uncertain significance for Tuberous sclerosis syndrome. Last evaluated: 2023-12-18. Review status: criteria provided, single submitter. Criteria: ACMG Guidelines, 2015. Collection method: clinical testing. Allele origin: germline. Inheritance: Autosomal dominant inheritance. Observed: 2 variant alleles, 2 heterozygotes.
Comment: This missense variant replaces asparagine with serine at codon 229 of the TSC2 protein. Computational prediction suggests that this variant may not impact protein structure and function (internally defined REVEL score threshold <= 0.5, PMID: 27666373). To our knowledge, functional studies have not been reported for this variant. This variant has not been reported in individuals affected with tuberous sclerosis complex in the literature. This variant has not been identified in the general population by the Genome Aggregation Database (gnomAD). The available evidence is insufficient to determine the role of this variant in disease conclusively. Therefore, this variant is classified as a Variant of Uncertain Significance.

This study involves interpretation of variants in research participants for the purpose of population health screening. Participant phenotype was not available at the time of variant classification. Additional details can be found in publication PMID: 35346344, PMCID: PMC8962531

GeneDx
Classification: Uncertain significance. Last evaluated: 2023-04-17. Review status: criteria provided, single submitter. Criteria: GeneDx Variant Classification Process June 2021. Collection method: clinical testing. Allele origin: germline. Affected: yes.
Comment: Not observed at significant frequency in large population cohorts (gnomAD); In silico analysis supports that this missense variant does not alter protein structure/function; Has not been previously published as pathogenic or benign to our knowledge

Genome-Nilou Lab
Classification: Likely benign for Tuberous sclerosis 2. Last evaluated: 2021-11-07. Review status: criteria provided, single submitter. Criteria: ACMG Guidelines, 2015. Collection method: clinical testing. Allele origin: germline. Affected: no.